The following is an entry in ClinVar:

NM_017654.4(SAMD9):c.1672G>A (p.Glu558Lys)

Gene: SAMD9 (sterile alpha motif domain containing 9; minus strand). Cytogenetic location: 7q21.2.
Variant type: single nucleotide variant.
Coding change: c.1672G>A on transcript NM_017654.4 (MANE Select); coding-DNA position 1672, G replaced by A.
Protein change: p.Glu558Lys; replaces glutamic acid 558 with lysine.
Molecular consequence: missense variant.
Genome position (GRCh38, 1-based): chr7:93,104,426, C>T on the plus strand (G>A on the coding strand, the complement: SAMD9 is on the minus strand). VCF-style: chr7-93104426-C-T. GRCh37 (hg19) VCF-style: chr7-92733739-C-T.
Other names: c.1672G>A, p.Glu558Lys (NM_001193307.2); short protein forms E558K.
Identifiers: ClinVar variation 3437003 (VCV003437003.2).
Genomic context (GRCh38, chr7:93,104,426, plus strand): 5'-CACAAATACACAGTATATTTTCCATTCCTTTGAGATCCTGGTAGAAAGCACAGAAAGTCT[C>T]AATGAGGGGATCTCTTGGGTCATCCACAGAGGACAGTAATAGAAATACCACCAAAAACTT-3'
Protein context (NP_060124.2, residues 548-568): SVDDPRDPLI[Glu558Lys]TFCAFYQDLK

ClinVar aggregate classification (germline): Uncertain significance. Review status: criteria provided, multiple submitters, no conflicts (2 of 4 stars). 2 submissions from 2 submitters: Uncertain significance (2). Last evaluated 2025-12-03.

Conditions:
Inborn genetic diseases. Identifiers: MedGen C0950123, MeSH D030342.

Submissions (2):

Labcorp Genetics (formerly Invitae), Labcorp
Classification: Uncertain significance. Last evaluated: 2025-12-03. Review status: criteria provided, single submitter. Criteria: Invitae Variant Classification Sherloc (09022015). Collection method: clinical testing. Allele origin: germline.
Comment: This sequence change replaces glutamic acid, which is acidic and polar, with lysine, which is basic and polar, at codon 558 of the SAMD9 protein (p.Glu558Lys). This variant is not present in population databases (gnomAD no frequency). This variant has not been reported in the literature in individuals affected with SAMD9-related conditions. ClinVar contains an entry for this variant (Variation ID: 3437003). Invitae Evidence Modeling of protein sequence and biophysical properties (such as structural, functional, and spatial information, amino acid conservation, physicochemical variation, residue mobility, and thermodynamic stability) has been performed for this missense variant. However, the output from this modeling did not meet the statistical confidence thresholds required to predict the impact of this variant on SAMD9 protein function. In summary, the available evidence is currently insufficient to determine the role of this variant in disease. Therefore, it has been classified as a Variant of Uncertain Significance.

Ambry Genetics
Classification: Uncertain significance for Inborn genetic diseases. Last evaluated: 2024-11-18. Review status: criteria provided, single submitter. Criteria: Ambry Variant Classification Scheme 2023. Collection method: clinical testing. Allele origin: germline.
Comment: The p.E558K variant (also known as c.1672G>A), located in coding exon 1 of the SAMD9 gene, results from a G to A substitution at nucleotide position 1672. The glutamic acid at codon 558 is replaced by lysine, an amino acid with similar properties. This amino acid position is conserved. In addition, this alteration is predicted to be tolerated by in silico analysis. Based on the available evidence, the clinical significance of this variant remains unclear.